The following is an entry in ClinVar:

ClinVar aggregate classification (germline): Uncertain significance. Review status: criteria provided, multiple submitters, no conflicts (2 of 4 stars). 4 submissions from 4 submitters: Uncertain significance (4). Last evaluated 2025-04-07.

Conditions:
Progressive myoclonic epilepsy. Also called: Familial progressive myoclonic epilepsy; Myoclonus epilepsy; Progressive myoclonus epilepsy; Myoclonic Epilepsies, Progressive. Identifiers: Orphanet 308, Orphanet 98261, MedGen C0751778, MONDO:0020074.
Inborn genetic diseases. Identifiers: MedGen C0950123, MeSH D030342.

Allele frequency attached by ClinVar (database versions not stated): TOPMed 0.00009; gnomAD 0.00013 and 0.00014; 1000 Genomes Project 30x 0.00016; 1000 Genomes Project 0.00020.
gnomAD v4.1: 28 of 1,614,216 alleles (0.0017%); highest among the groups gnomAD compares: African/African-American, 0.032%; no homozygotes.

Submissions (4):

Mayo Clinic Laboratories, Mayo Clinic
Classification: Uncertain significance. Last evaluated: 2025-04-07. Review status: criteria provided, single submitter. Criteria: ACMG Guidelines, 2015. Collection method: clinical testing. Allele origin: germline. Observed: 1 variant allele.
Comment: PM2_supporting

GeneDx
Classification: Uncertain significance. Last evaluated: 2024-09-11. Review status: criteria provided, single submitter. Criteria: GeneDx Variant Classification Process June 2021. Collection method: clinical testing. Allele origin: germline. Affected: yes.
Comment: In silico analysis supports that this missense variant has a deleterious effect on protein structure/function; Has not been previously published as pathogenic or benign to our knowledge

Labcorp Genetics (formerly Invitae), Labcorp
Classification: Uncertain significance for Progressive myoclonic epilepsy. Last evaluated: 2022-08-23. Review status: criteria provided, single submitter. Criteria: Invitae Variant Classification Sherloc (09022015). Collection method: clinical testing. Allele origin: germline.
Comment: This sequence change replaces glycine, which is neutral and non-polar, with glutamic acid, which is acidic and polar, at codon 259 of the EPM2A protein (p.Gly259Glu). This variant is present in population databases (rs200641543, gnomAD 0.05%). This variant has not been reported in the literature in individuals affected with EPM2A-related conditions. ClinVar contains an entry for this variant (Variation ID: 392758). Algorithms developed to predict the effect of missense changes on protein structure and function (SIFT, PolyPhen-2, Align-GVGD) all suggest that this variant is likely to be disruptive. In summary, the available evidence is currently insufficient to determine the role of this variant in disease. Therefore, it has been classified as a Variant of Uncertain Significance.

Ambry Genetics
Classification: Uncertain significance for Inborn genetic diseases. Last evaluated: 2019-04-14. Review status: criteria provided, single submitter. Criteria: Ambry Variant Classification Scheme 2023. Collection method: clinical testing. Allele origin: germline.
Comment: The p.G259E variant (also known as c.776G>A), located in coding exon 4 of the EPM2A gene, results from a G to A substitution at nucleotide position 776. The glycine at codon 259 is replaced by glutamic acid, an amino acid with similar properties. This amino acid position is highly conserved in available vertebrate species. In addition, the in silico prediction for this alteration is inconclusive. Since supporting evidence is limited at this time, the clinical significance of this alteration remains unclear.

NM_005670.4(EPM2A):c.776G>A (p.Gly259Glu)

Gene: EPM2A (EPM2A glucan phosphatase, laforin; minus strand). Cytogenetic location: 6q24.3.
Variant type: single nucleotide variant.
Coding change: c.776G>A on transcript NM_005670.4 (MANE Select); coding-DNA position 776, G replaced by A.
Protein change: p.Gly259Glu; replaces glycine 259 with glutamic acid.
Molecular consequence: missense variant. On other transcripts: synonymous variant (1), non-coding transcript variant (1).
Genome position (GRCh38, 1-based): chr6:145,627,636, C>T on the plus strand (G>A on the coding strand, the complement: EPM2A is on the minus strand). VCF-style: chr6-145627636-C-T. GRCh37 (hg19) VCF-style: chr6-145948772-C-T.
Other names: p.Gly259Glu; c.776G>A, p.Gly259Glu (NM_001018041.2); c.534G>A, p.Gly178= (NM_001360057.2); c.362G>A, p.Gly121Glu (NM_001360064.2, NM_001360071.2, NM_001368131.1); c.314G>A, p.Gly105Glu (NM_001368129.2, NM_001368132.1); short protein forms G259E, G121E, G105E.
Identifiers: ClinVar variation 392758 (VCV000392758.14), dbSNP rs200641543, ClinGen allele CA4035082.
Genomic context (GRCh38, chr6:145,627,636, plus strand): 5'-CCGCAGACAGCCGCGGTGGAGCGGCCCACCCCAGCGTTGCAGTGCACGTACACGATGTGT[C>T]CCTTCTCCAGCAGCGCATGCAGCAGGCACACCGCCTGGGGCAGCATCTGTACTCGGCCTG-3'
Protein context (NP_005661.1, residues 249-269): VCLLHALLEK[Gly259Glu]HIVYVHCNAG